The following is an entry in ClinVar:

NM_021147.5(CCNO):c.482_483del (p.Leu161fs)

Gene: CCNO (cyclin O; minus strand). Cytogenetic location: 5q11.2.
Variant type: Deletion.
Coding change: c.482_483del on transcript NM_021147.5 (MANE Select); coding-DNA positions 482 to 483, 2 bases deleted (TG; older notation c.482_483delTG).
Protein change: p.Leu161fs; shifts the reading frame from leucine 161.
Molecular consequence: frameshift variant. On other transcripts: non-coding transcript variant (3).
Genome position (GRCh38, 1-based): chr5:55,232,445-55,232,446, CA deleted on the plus strand (TG on the coding strand, the reverse complement: CCNO is on the minus strand). VCF-style (leftmost placement, unchanged base first): chr5-55232444-CCA-C. GRCh37 (hg19) VCF-style: chr5-54528272-CCA-C.
Other names: short protein forms L161fs.
Identifiers: ClinVar variation 2822051 (VCV002822051.3), dbSNP rs2478548362, ClinGen allele CA2673855935.

ClinVar aggregate classification (germline): Pathogenic (1 of 4 stars; one submission).

Conditions:
Primary ciliary dyskinesia. Also called: Ciliary dyskinesia. Identifiers: Orphanet 244, MedGen C0008780, MONDO:0016575, HP:0012265.

Allele frequency attached by ClinVar (database versions not stated): gnomAD exomes below 0.00001.

Submission:

Labcorp Genetics (formerly Invitae), Labcorp
Classification: Pathogenic for Primary ciliary dyskinesia. Last evaluated: 2024-01-04. Review status: criteria provided, single submitter. Criteria: Invitae Variant Classification Sherloc (09022015). Collection method: clinical testing. Allele origin: germline.
Comment: This sequence change creates a premature translational stop signal (p.Leu161Argfs*73) in the CCNO gene. While this is not anticipated to result in nonsense mediated decay, it is expected to disrupt the last 190 amino acid(s) of the CCNO protein. This variant is not present in population databases (gnomAD no frequency). This variant has not been reported in the literature in individuals affected with CCNO-related conditions. This variant disrupts a region of the CCNO protein in which other variant(s) (p.Gln321*) have been determined to be pathogenic (PMID: 24747639, 26139845). This suggests that this is a clinically significant region of the protein, and that variants that disrupt it are likely to be disease-causing. For these reasons, this variant has been classified as Pathogenic.

Literature cited by the submitters: PubMed 24747639; PubMed 26139845.